The following is an entry in ClinVar:

ClinVar aggregate classification (germline): Uncertain significance (1 of 4 stars; one submission).

gnomAD v4.1: 1 of 1,614,090 alleles (0.000062%); highest among the groups gnomAD compares: East Asian, 0.0022%; no homozygotes.

Submission:

Labcorp Genetics (formerly Invitae), Labcorp
Classification: Uncertain significance. Last evaluated: 2024-05-27. Review status: criteria provided, single submitter. Criteria: Invitae Variant Classification Sherloc (09022015). Collection method: clinical testing. Allele origin: germline.
Comment: This sequence change replaces lysine, which is basic and polar, with asparagine, which is neutral and polar, at codon 2447 of the KMT2A protein (p.Lys2447Asn). This variant is not present in population databases (gnomAD no frequency). This variant has not been reported in the literature in individuals affected with KMT2A-related conditions. Advanced modeling of protein sequence and biophysical properties (such as structural, functional, and spatial information, amino acid conservation, physicochemical variation, residue mobility, and thermodynamic stability) performed at Invitae indicates that this missense variant is not expected to disrupt KMT2A protein function with a negative predictive value of 95%. In summary, the available evidence is currently insufficient to determine the role of this variant in disease. Therefore, it has been classified as a Variant of Uncertain Significance.

NM_001197104.2(KMT2A):c.7341A>T (p.Lys2447Asn)

Gene: KMT2A (lysine methyltransferase 2A; plus strand). Cytogenetic location: 11q23.3.
Variant type: single nucleotide variant.
Coding change: c.7341A>T on transcript NM_001197104.2 (MANE Select); coding-DNA position 7341, A replaced by T.
Protein change: p.Lys2447Asn; replaces lysine 2447 with asparagine.
Molecular consequence: missense variant.
Genome position (GRCh38, 1-based): chr11:118,503,233, A>T. VCF-style: chr11-118503233-A-T. GRCh37 (hg19) VCF-style: chr11-118373948-A-T.
Other names: c.7431A>T, p.Lys2477Asn (NM_001412597.1); c.7332A>T, p.Lys2444Asn (NM_005933.4); short protein forms K2447N, K2477N, K2444N.
Identifiers: ClinVar variation 3682969 (VCV003682969.2).
Genomic context (GRCh38, chr11:118,503,233, plus strand): 5'-TAGGAGACAGAAAGGGAAAAAATCCTGTAAAGAAACTTTCAAAGAAAAGCATTCCAGTAA[A>T]TCTTTTTTGGAACCTGGTCAGGTGACAACTGGTGAGGAAGGAAACTTGAAGCCAGAGTTT-3'
Protein context (NP_001184033.1, residues 2437-2457): KETFKEKHSS[Lys2447Asn]SFLEPGQVTT